The following is an entry in ClinVar:

ClinVar aggregate classification (germline): Uncertain significance. Review status: criteria provided, multiple submitters, no conflicts (2 of 4 stars). 4 submissions from 4 submitters: Uncertain significance (3). 1 of the submissions does not count toward it. Last evaluated 2025-02-08.

Conditions:
Hereditary cancer-predisposing syndrome. Also called: Neoplastic Syndromes, Hereditary; Tumor predisposition; Hereditary neoplastic syndrome; Hereditary Cancer Syndrome. Identifiers: Orphanet 140162, MedGen C0027672, MeSH D009386, MONDO:0015356.
Fumarase deficiency (FMRD). Also called: Fumaric aciduria; Fumarate Hydratase Deficiency. Identifiers: Orphanet 24, MedGen C0342770, MONDO:0011730, OMIM 606812.

Submissions (4):

Ambry Genetics
Classification: Uncertain significance for Hereditary cancer-predisposing syndrome. Last evaluated: 2025-02-08. Review status: criteria provided, single submitter. Criteria: Ambry Variant Classification Scheme 2023. Collection method: clinical testing. Allele origin: germline.
Comment: The p.Q227R variant (also known as c.680A>G), located in coding exon 5 of the FH gene, results from an A to G substitution at nucleotide position 680. The glutamine at codon 227 is replaced by arginine, an amino acid with highly similar properties. This amino acid position is not well conserved in available vertebrate species. In addition, the in silico prediction for this alteration is inconclusive. Since supporting evidence is limited at this time, the clinical significance of this alteration remains unclear.

Baylor Genetics
Classification: Uncertain significance for Fumarase deficiency. Last evaluated: 2024-02-14. Review status: criteria provided, single submitter. Criteria: ACMG Guidelines, 2015. Collection method: clinical testing. Allele origin: unknown.

Labcorp Genetics (formerly Invitae), Labcorp
Classification: Uncertain significance. Last evaluated: 2022-05-18. Review status: criteria provided, single submitter. Criteria: Invitae Variant Classification Sherloc (09022015). Collection method: clinical testing. Allele origin: germline.
Comment: This sequence change replaces glutamine, which is neutral and polar, with arginine, which is basic and polar, at codon 227 of the FH protein (p.Gln227Arg). This variant is not present in population databases (gnomAD no frequency). This variant has not been reported in the literature in individuals affected with FH-related conditions. Advanced modeling of protein sequence and biophysical properties (such as structural, functional, and spatial information, amino acid conservation, physicochemical variation, residue mobility, and thermodynamic stability) performed at Invitae indicates that this missense variant is not expected to disrupt FH protein function. In summary, the available evidence is currently insufficient to determine the role of this variant in disease. Therefore, it has been classified as a Variant of Uncertain Significance.

Natera, Inc.
Classification: Uncertain significance for Fumarase Deficiency. Last evaluated: 2025-01-17. Review status: no assertion criteria provided. Collection method: clinical testing. Allele origin: germline. Not counted in ClinVar's aggregate classification.

NM_000143.4(FH):c.680A>G (p.Gln227Arg)

Gene: FH (fumarate hydratase; minus strand). Cytogenetic location: 1q43.
Variant type: single nucleotide variant.
Coding change: c.680A>G on transcript NM_000143.4 (MANE Select); coding-DNA position 680, A replaced by G.
Protein change: p.Gln227Arg; replaces glutamine 227 with arginine.
Molecular consequence: missense variant.
Genome position (GRCh38, 1-based): chr1:241,508,661, T>C on the plus strand (A>G on the coding strand, the complement: FH is on the minus strand). VCF-style: chr1-241508661-T-C. GRCh37 (hg19) VCF-style: chr1-241671961-T-C.
Other names: short protein forms Q227R.
Identifiers: ClinVar variation 1755560 (VCV001755560.10), dbSNP rs2527327190, ClinGen allele CA345439254.